The following is an entry in ClinVar:

ClinVar aggregate classification (germline): Uncertain significance. Review status: criteria provided, multiple submitters, no conflicts (2 of 4 stars). 5 submissions from 5 submitters: Uncertain significance (4). 1 of the submissions does not count toward it. Last evaluated 2024-11-04.

Conditions:
MLYCD-related disorder. Also called: MLYCD-related condition.
Deficiency of malonyl-CoA decarboxylase. Also called: Malonic aciduria; MCD deficiency. Identifiers: Orphanet 943, MedGen C0342793, MONDO:0009556, OMIM 248360.
Inborn genetic diseases. Identifiers: MedGen C0950123, MeSH D030342.

Allele frequency attached by ClinVar (database versions not stated): gnomAD 0.00002 and 0.00003; gnomAD exomes 0.00002; TOPMed 0.00004.
gnomAD v4.1: 30 of 1,190,614 alleles (0.0025%); highest among the groups gnomAD compares: Admixed American, 0.018%; no homozygotes.

Submissions (5):

Blueprint Genetics
Classification: Uncertain significance. Last evaluated: 2024-11-04. Review status: criteria provided, single submitter. Criteria: ACMG Guidelines, 2015. Collection method: clinical testing. Allele origin: germline.

Neuberg Centre For Genomic Medicine, NCGM
Classification: Uncertain significance for Deficiency of malonyl-CoA decarboxylase. Last evaluated: 2023-05-20. Review status: criteria provided, single submitter. Criteria: ACMG Guidelines, 2015. Collection method: clinical testing. Allele origin: germline. Inheritance: Autosomal recessive inheritance. Affected: yes.
Comment: The observed missense c.64C>T (p.Pro22Ser) variant in MLYCD gene has not been reported previously as a pathogenic variant nor as a benign variant, to our knowledge. The p.Pro22Ser variant is absent in gnomAD Exomes. This variant has been submitted to the ClinVar database as Uncertain Significance. Multiple lines of computational evidence (Polyphen - Benign, SIFT - Tolerated and MutationTaster - Polymorphism) predict no damaging effect on protein structure and function for this variant. The reference amino acid of p.Pro22Ser in MLYCD is predicted as conserved by GERP++ and PhyloP across 100 vertebrates. The amino acid Pro at position 22 is changed to a Ser changing protein sequence and it might alter its composition and physico-chemical properties. For these reasons, this variant has been classified as a Variant of Uncertain Significance (VUS).

Ambry Genetics
Classification: Uncertain significance for Inborn genetic diseases. Last evaluated: 2022-07-14. Review status: criteria provided, single submitter. Criteria: Ambry Variant Classification Scheme 2023. Collection method: clinical testing. Allele origin: germline.

Labcorp Genetics (formerly Invitae), Labcorp
Classification: Uncertain significance for Deficiency of malonyl-CoA decarboxylase. Last evaluated: 2022-05-25. Review status: criteria provided, single submitter. Criteria: Invitae Variant Classification Sherloc (09022015). Collection method: clinical testing. Allele origin: germline.
Comment: This sequence change replaces proline, which is neutral and non-polar, with serine, which is neutral and polar, at codon 22 of the MLYCD protein (p.Pro22Ser). This variant is present in population databases (no rsID available, gnomAD 0.2%). This variant has not been reported in the literature in individuals affected with MLYCD-related conditions. ClinVar contains an entry for this variant (Variation ID: 1043985). Algorithms developed to predict the effect of missense changes on protein structure and function are either unavailable or do not agree on the potential impact of this missense change (SIFT: "Deleterious"; PolyPhen-2: "Benign"; Align-GVGD: "Class C0"). In summary, the available evidence is currently insufficient to determine the role of this variant in disease. Therefore, it has been classified as a Variant of Uncertain Significance.

PreventionGenetics, part of Exact Sciences
Classification: Likely benign for MLYCD-related condition. Last evaluated: 2022-02-01. Review status: no assertion criteria provided. Collection method: clinical testing. Allele origin: germline. Not counted in ClinVar's aggregate classification.
Comment: This variant is classified as likely benign based on ACMG/AMP sequence variant interpretation guidelines (Richards et al. 2015 PMID: 25741868, with internal and published modifications).

NM_012213.3(MLYCD):c.64C>T (p.Pro22Ser)

Genes: MLYCD (malonyl-CoA decarboxylase; plus strand), LOC130059554 (ATAC-STARR-seq lymphoblastoid silent region 7769; plus strand). Cytogenetic location: 16q23.3.
Variant type: single nucleotide variant.
Coding change: c.64C>T on transcript NM_012213.3 (MANE Select); coding-DNA position 64, C replaced by T.
Protein change: p.Pro22Ser; replaces proline 22 with serine.
Molecular consequence: missense variant.
Genome position (GRCh38, 1-based): chr16:83,899,208, C>T. VCF-style: chr16-83899208-C-T. GRCh37 (hg19) VCF-style: chr16-83932813-C-T.
Other names: c.64C>T (NM_012213.2); short protein forms P22S.
Identifiers: ClinVar variation 1043985 (VCV001043985.7), dbSNP rs915124487, ClinGen allele CA285421474.